The following is an entry in ClinVar:

ClinVar aggregate classification (germline): Likely pathogenic. Review status: criteria provided, single submitter (1 of 4 stars). 2 submissions from 2 submitters: Likely pathogenic (1). 1 of the submissions does not count toward it. Last evaluated 2022-11-09.

Conditions:
Bartter disease type 5. Also called: Bartter syndrome, type 5, antenatal, transient. Identifiers: Orphanet 112, Orphanet 570371, MedGen C4310820, MONDO:0010503, OMIM 300971.

Allele frequency attached by ClinVar (database versions not stated): TOPMed 0.00001 and below 0.00001.

Submissions (2):

GeneDx
Classification: Likely pathogenic. Last evaluated: 2022-11-09. Review status: criteria provided, single submitter. Criteria: GeneDx Variant Classification Process June 2021. Collection method: clinical testing. Allele origin: germline. Affected: yes.
Comment: Not observed at significant frequency in large population cohorts (gnomAD); In silico analysis supports that this missense variant has a deleterious effect on protein structure/function; This variant is associated with the following publications: (PMID: 32529326, 27120771, 29146702, 28973533, 34926352)

OMIM
Classification: Pathogenic for BARTTER SYNDROME, TYPE 5, ANTENATAL, TRANSIENT. Last evaluated: 2016-09-23. Review status: no assertion criteria provided. Collection method: literature only. Allele origin: germline. Not counted in ClinVar's aggregate classification.

Literature cited by the submitters: PubMed 27120771 (cited by OMIM).

NM_177433.3(MAGED2):c.1336C>T (p.Arg446Cys)

Gene: MAGED2 (MAGE family member D2; plus strand). Cytogenetic location: Xp11.21.
Variant type: single nucleotide variant.
Coding change: c.1336C>T on transcript NM_177433.3 (MANE Select); coding-DNA position 1336, C replaced by T.
Protein change: p.Arg446Cys; replaces arginine 446 with cysteine.
Molecular consequence: missense variant.
Genome position (GRCh38, 1-based): chrX:54,814,725, C>T. VCF-style: chrX-54814725-C-T. GRCh37 (hg19) VCF-style: chrX-54841158-C-T.
Other names: c.1336C>T, p.Arg446Cys (NM_014599.6, NM_201222.3); short protein forms R446C.
Identifiers: ClinVar variation 226034 (VCV000226034.3), dbSNP rs878854407, ClinGen allele CA10576212.
Genomic context (GRCh38, chrX:54,814,725, plus strand): 5'-CTGGACTATGCCAGAGTCCCCAATAGCAATCCCCCTGAATATGAGTTCTTCTGGGGCCTG[C>T]GCTCTTACTATGAGACCAGCAAGATGAAAGTCCTCAAGTTTGCCTGCAAGGTAATTGGAG-3'
Protein context (NP_803182.1, residues 436-456): PPEYEFFWGL[Arg446Cys]SYYETSKMKV